The following is an entry in ClinVar:

ClinVar aggregate classification (germline): Uncertain significance (1 of 4 stars; one submission).

Submission:

Labcorp Genetics (formerly Invitae), Labcorp
Classification: Uncertain significance. Last evaluated: 2021-03-02. Review status: criteria provided, single submitter. Criteria: Invitae Variant Classification Sherloc (09022015). Collection method: clinical testing. Allele origin: germline.
Comment: This variant results in a copy number gain of the genomic region encompassing exon(s) 2-9 of the SMARCB1 gene. The 5' boundary is likely confined to intron 1. The 3' end of this event is unknown as it extends beyond the assayed region for this gene and therefore may encompass additional genes. As the precise location of this event is unknown, it may be in tandem or it may be located elsewhere in the genome. This variant has not been reported in the literature in individuals with SMARCB1-related conditions. Experimental studies and prediction algorithms are not available or were not evaluated, and the functional significance of this variant is currently unknown. In summary, the available evidence is currently insufficient to determine the role of this variant in disease. Therefore, it has been classified as a Variant of Uncertain Significance.

NC_000022.10:g.(?_24133933)_(24176367_?)dup

Gene: SMARCB1 (SWI/SNF related BAF chromatin remodeling complex subunit B1; plus strand). Cytogenetic location: 22q11.23.
Variant type: Duplication.
Identifiers: ClinVar variation 1410752 (VCV001410752.1).